The following is an entry in ClinVar:

NM_033056.4(PCDH15):c.5675T>A (p.Leu1892His)

Gene: PCDH15 (protocadherin related 15; minus strand). Cytogenetic location: 10q21.1.
Variant type: single nucleotide variant.
Coding change: c.5675T>A on transcript NM_033056.4 (MANE Plus Clinical); coding-DNA position 5675, T replaced by A.
Protein change: p.Leu1892His; replaces leucine 1892 with histidine.
Molecular consequence: missense variant. On other transcripts: intron variant (8).
Genome position (GRCh38, 1-based): chr10:53,822,051, A>T on the plus strand (T>A on the coding strand, the complement: PCDH15 is on the minus strand). VCF-style: chr10-53822051-A-T. GRCh37 (hg19) VCF-style: chr10-55581811-A-T.
Other names: c.5696T>A, p.Leu1899His (NM_001142763.2); c.5681T>A, p.Leu1894His (NM_001142764.2); c.5468T>A, p.Leu1823His (NM_001142765.2); c.5666T>A, p.Leu1889His (NM_001142766.2); c.5555T>A, p.Leu1852His (NM_001142767.2); c.5615T>A, p.Leu1872His (NM_001142768.2); c.5606T>A, p.Leu1869His (NM_001142773.2); c.5609T>A, p.Leu1870His (NM_001354404.2); and 7 more; short protein forms L1852H, L1892H, L1872H, L1889H, L1823H, L1869H, L1870H, L1899H.
Identifiers: ClinVar variation 1371598 (VCV001371598.6), dbSNP rs2132483165, ClinGen allele CA376524463.

ClinVar aggregate classification (germline): Uncertain significance (1 of 4 stars; one submission).

gnomAD v4.1: 3 of 1,614,044 alleles (0.00019%); highest among the groups gnomAD compares: Non-Finnish European, 0.00025%; no homozygotes.

Submission:

Labcorp Genetics (formerly Invitae), Labcorp
Classification: Uncertain significance. Last evaluated: 2025-06-20. Review status: criteria provided, single submitter. Criteria: Invitae Variant Classification Sherloc (09022015). Collection method: clinical testing. Allele origin: germline.
Comment: This sequence change replaces leucine, which is neutral and non-polar, with histidine, which is basic and polar, at codon 1892 of the PCDH15 protein (p.Leu1892His). This variant is not present in population databases (gnomAD no frequency). This variant has not been reported in the literature in individuals affected with PCDH15-related conditions. ClinVar contains an entry for this variant (Variation ID: 1371598). Invitae Evidence Modeling of protein sequence and biophysical properties (such as structural, functional, and spatial information, amino acid conservation, physicochemical variation, residue mobility, and thermodynamic stability) indicates that this missense variant is not expected to disrupt PCDH15 protein function with a negative predictive value of 95%. In summary, the available evidence is currently insufficient to determine the role of this variant in disease. Therefore, it has been classified as a Variant of Uncertain Significance.